The following is an entry in ClinVar:

ClinVar aggregate classification (germline): Benign. Review status: reviewed by expert panel (3 of 4 stars). 17 submissions from 17 submitters: Benign (1). 16 of the submissions do not count toward it. Last evaluated 2024-01-23.

Conditions:
Immunodeficiency 104. Also called: Severe Combined Immune Deficiency, Autosomal Recessive, TCell -Negative, B Cell-Positive, NK Cell-Positive, IL7R-Related; IMMUNODEFICIENCY 104, SEVERE COMBINED; Severe combined immunodeficiency, autosomal recessive, T cell-negative, B cell-positive, NK cell-positive; SCID, AUTOSOMAL RECESSIVE, T CELL-NEGATIVE, B CELL-POSITIVE, NK CELL-POSITIVE. Identifiers: MedGen C5676890, MONDO:0012163, OMIM 608971.

Allele frequency attached by ClinVar (database versions not stated): 1000 Genomes Project 0.59984; 1000 Genomes Project 30x 0.60572; gnomAD exomes 0.61832; ExAC 0.62787; TOPMed 0.66604; gnomAD 0.67224 and 0.68368.

Submissions (17):

ClinGen Severe Combined Immunodeficiency Variant Curation Expert Panel, ClinGen
Classification: Benign for Immunodeficiency 104. Last evaluated: 2024-01-23. Review status: reviewed by expert panel. Criteria: ClinGen SCID ACMG Specifications IL7R V1.0.0. Collection method: curation. Allele origin: germline. Inheritance: Autosomal recessive inheritance.
Comment: NM_002185.5(IL7R):c.197T>C is a missense variant predicted to cause substitution of Isoleucine by Threonine at amino acid 66 (p.Ile66Thr). The filtering allele frequency (the lower threshold of the 95% CI of 56371/74906 alleles) of the c.197T>C variant in IL7R is 0.7458 for African/African American chromosomes by gnomAD v.4, which is higher than the ClinGen SCID VCEP threshold (>0.00566) for BA1, and therefore meets this criterion (BA1). Additionally, 353136 homozygotes have been described. In summary, this variant meets the criteria to be classified as Benign for autosomal recessive SCID, based on the ACMG/AMP criteria applied, as specified by the ClinGen SCID VCEP. Criteria applied: BA1 (VCEP specifications version 1).

Labcorp Genetics (formerly Invitae), Labcorp
Classification: Benign for Immunodeficiency 104. Last evaluated: 2026-02-04. Review status: criteria provided, single submitter. Criteria: Invitae Variant Classification Sherloc (09022015). Collection method: clinical testing. Allele origin: germline. Not counted in ClinVar's aggregate classification.

Blueprint Genetics
Classification: Likely benign. Last evaluated: 2024-11-26. Review status: criteria provided, single submitter. Criteria: ACMG Guidelines, 2015. Collection method: clinical testing. Allele origin: germline. Not counted in ClinVar's aggregate classification.

Unidad de Genómica Garrahan, Hospital de Pediatría Garrahan
Classification: Benign. Last evaluated: 2024-01-24. Review status: criteria provided, single submitter. Criteria: ACMG Guidelines, 2015. Collection method: clinical testing. Allele origin: germline. Affected: no. Observed: 79 variant alleles. Not counted in ClinVar's aggregate classification.
Comment: This variant is classified as Benign based on local population frequency. This variant was detected in 83% of patients studied by a panel of primary immunodeficiencies. Number of patients: 79. Only high quality variants are reported.

Genome-Nilou Lab
Classification: Benign for Immunodeficiency 104. Last evaluated: 2021-08-19. Review status: criteria provided, single submitter. Criteria: ACMG Guidelines, 2015. Collection method: clinical testing. Allele origin: germline. Affected: no. Not counted in ClinVar's aggregate classification.

Mendelics
Classification: Benign for Immunodeficiency 104. Last evaluated: 2019-05-28. Review status: criteria provided, single submitter. Criteria: Mendelics Assertion Criteria 2017. Collection method: clinical testing. Allele origin: unknown. Not counted in ClinVar's aggregate classification.

Mayo Clinic Laboratories, Mayo Clinic
Classification: Benign. Last evaluated: 2018-03-21. Review status: criteria provided, single submitter. Criteria: ACMG Guidelines, 2015. Collection method: clinical testing. Allele origin: germline. Observed: 178 variant alleles. Not counted in ClinVar's aggregate classification.

Illumina Laboratory Services, Illumina
Classification: Benign for Immunodeficiency 104. Last evaluated: 2018-01-12. Review status: criteria provided, single submitter. Criteria: ICSL Variant Classification Criteria 13 December 2019. Collection method: clinical testing. Allele origin: germline. Not counted in ClinVar's aggregate classification.
Comment: This variant was observed in the ICSL laboratory as part of a predisposition screen in an ostensibly healthy population. It had not been previously curated by ICSL or reported in the Human Gene Mutation Database (HGMD: prior to June 1st, 2018), and was therefore a candidate for classification through an automated scoring system. Utilizing variant allele frequency, disease prevalence and penetrance estimates, and inheritance mode, an automated score was calculated to assess if this variant is too frequent to cause the disease. Based on the score and internal cut-off values, a variant classified as benign is not then subjected to further curation. The score for this variant resulted in a classification of benign for this disease.

Laboratory for Molecular Medicine, Mass General Brigham Personalized Medicine
Classification: Benign. Last evaluated: 2016-03-28. Review status: criteria provided, single submitter. Criteria: LMM Criteria. Collection method: clinical testing. Allele origin: germline. Not counted in ClinVar's aggregate classification.
Comment: Variant identified in a genome or exome case(s) and assessed due to predicted null impact of the variant or pathogenic assertions in the literature or databases. Disclaimer: This variant has not undergone full assessment. The following are preliminary notes: 1 paper published in 1998 claimed variant was pathogenic for SCID based on identification in 1 proband.

GeneDx
Classification: Benign. Last evaluated: 2015-03-03. Review status: criteria provided, single submitter. Criteria: GeneDx Variant Classification Process June 2021. Collection method: clinical testing. Allele origin: germline. Affected: yes. Not counted in ClinVar's aggregate classification.
Comment: This variant is associated with the following publications: (PMID: 21326139, 30377306)

Breakthrough Genomics
Classification: Benign. Review status: criteria provided, single submitter. Criteria: ACMG Guidelines, 2015. Collection method: not provided. Allele origin: germline. Inheritance: Autosomal recessive inheritance. Affected: yes. Not counted in ClinVar's aggregate classification.

Pathology and Clinical Laboratory Medicine, King Fahad Medical City
Classification: Benign. Review status: criteria provided, single submitter. Criteria: ACMG Guidelines, 2015. Collection method: clinical testing. Allele origin: germline. Affected: no. Observed: 455 variant alleles. Not counted in ClinVar's aggregate classification.

PreventionGenetics, part of Exact Sciences
Classification: Benign. Review status: criteria provided, single submitter. Criteria: ACMG Guidelines, 2015. Collection method: clinical testing. Allele origin: germline. Not counted in ClinVar's aggregate classification.

ITMI
No classification provided. Condition: AllHighlyPenetrant. Last evaluated: 2013-09-19. Review status: no classification provided. Collection method: reference population. Allele origin: germline. Not counted in ClinVar's aggregate classification.
Comment: Please see associated publication for description of ethnicities

OMIM
Classification: Uncertain significance for RECLASSIFIED - VARIANT OF UNKNOWN SIGNIFICANCE. Last evaluated: 1998-12-01. Review status: no assertion criteria provided. Collection method: literature only. Allele origin: germline. Not counted in ClinVar's aggregate classification.

Diagnostic Laboratory, Department of Genetics, University Medical Center Groningen
Classification: Benign. Review status: no assertion criteria provided. Collection method: clinical testing. Allele origin: germline. Affected: yes. Study: VKGL Data-share Consensus. Not counted in ClinVar's aggregate classification.

Genome Diagnostics Laboratory, University Medical Center Utrecht
Classification: Likely benign. Review status: no assertion criteria provided. Collection method: clinical testing. Allele origin: germline. Affected: yes. Study: VKGL Data-share Consensus. Not counted in ClinVar's aggregate classification.

Literature cited by the submitters: PubMed 24728327 (cited by ITMI); Hamosh, A. Personal Communication. 2018. Baltimore, Md. (cited by OMIM); PubMed 9843216 (cited by OMIM); PubMed 10899029 (cited by OMIM).

NM_002185.5(IL7R):c.197T>C (p.Ile66Thr)

Gene: IL7R (interleukin 7 receptor; plus strand). Cytogenetic location: 5p13.2.
Variant type: single nucleotide variant.
Coding change: c.197T>C on transcript NM_002185.5 (MANE Select); coding-DNA position 197, T replaced by C.
Protein change: p.Ile66Thr; replaces isoleucine 66 with threonine.
Molecular consequence: missense variant. On other transcripts: non-coding transcript variant (1).
Genome position (GRCh38, 1-based): chr5:35,860,966, T>C. VCF-style: chr5-35860966-T-C. GRCh37 (hg19) VCF-style: chr5-35861068-T-C.
Other names: T66I; NM_002185.5(IL7R):c.197T>C; short protein forms I66T.
Identifiers: ClinVar variation 14839 (VCV000014839.35), dbSNP rs1494558, ClinGen allele CA124390.